The following is an entry in ClinVar:

NM_001126108.2(SLC12A3):c.*1161A>G

Gene: SLC12A3 (solute carrier family 12 member 3; plus strand). Cytogenetic location: 16q13.
Variant type: single nucleotide variant.
Coding change: c.*1161A>G on transcript NM_001126108.2 (MANE Select); 1161 bases downstream of the stop codon, A replaced by G.
Molecular consequence: 3 prime UTR variant.
Genome position (GRCh38, 1-based): chr16:56,914,566, A>G. VCF-style: chr16-56914566-A-G. GRCh37 (hg19) VCF-style: chr16-56948478-A-G.
Other names: c.*1161A>G (NM_000339.3, NM_001126107.2).
Identifiers: ClinVar variation 319946 (VCV000319946.5), dbSNP rs16963782, ClinGen allele CA10643919.

ClinVar aggregate classification (germline): Likely benign (1 of 4 stars; one submission).

Conditions:
Familial hypokalemia-hypomagnesemia (GTLMNS). Also called: gitelman syndrome; HYPOMAGNESEMIA-HYPOKALEMIA, PRIMARY RENOTUBULAR, WITH HYPOCALCIURIA; POTASSIUM AND MAGNESIUM DEPLETION. Identifiers: Orphanet 358, MedGen C0268450, MONDO:0009904, OMIM 263800.

Allele frequency attached by ClinVar (database versions not stated): 1000 Genomes Project 0.00359; 1000 Genomes Project 30x 0.00406; gnomAD 0.00423 and 0.00446; TOPMed 0.00454.

Submission:

Illumina Laboratory Services, Illumina
Classification: Likely benign for Familial hypokalemia-hypomagnesemia. Last evaluated: 2018-01-13. Review status: criteria provided, single submitter. Criteria: ICSL Variant Classification Criteria 13 December 2019. Collection method: clinical testing. Allele origin: germline.
Comment: This variant was observed in the ICSL laboratory as part of a predisposition screen in an ostensibly healthy population. It had not been previously curated by ICSL or reported in the Human Gene Mutation Database (HGMD: prior to June 1st, 2018), and was therefore a candidate for classification through an automated scoring system. Utilizing variant allele frequency, disease prevalence and penetrance estimates, and inheritance mode, an automated score was calculated to assess if this variant is too frequent to cause the disease. Based on the score and internal cut-off values, a variant classified as likely benign is not then subjected to further curation. The score for this variant resulted in a classification of likely benign for this disease.